The following is an entry in ClinVar:

ClinVar aggregate classification (germline): Uncertain significance (1 of 4 stars; one submission).

gnomAD v4.1: 30 of 1,614,022 alleles (0.0019%); highest among the groups gnomAD compares: East Asian, 0.062%; no homozygotes.

Submission:

Labcorp Genetics (formerly Invitae), Labcorp
Classification: Uncertain significance. Last evaluated: 2024-08-20. Review status: criteria provided, single submitter. Criteria: Invitae Variant Classification Sherloc (09022015). Collection method: clinical testing. Allele origin: germline.
Comment: This sequence change replaces glutamic acid, which is acidic and polar, with lysine, which is basic and polar, at codon 201 of the DPYS protein (p.Glu201Lys). This variant is present in population databases (rs753548617, gnomAD 0.1%). This variant has not been reported in the literature in individuals affected with DPYS-related conditions. An algorithm developed to predict the effect of missense changes on protein structure and function (PolyPhen-2) suggests that this variant is likely to be disruptive. In summary, the available evidence is currently insufficient to determine the role of this variant in disease. Therefore, it has been classified as a Variant of Uncertain Significance.

NM_001385.3(DPYS):c.601G>A (p.Glu201Lys)

Gene: DPYS (dihydropyrimidinase; minus strand). Cytogenetic location: 8q22.3.
Variant type: single nucleotide variant.
Coding change: c.601G>A on transcript NM_001385.3 (MANE Select); coding-DNA position 601, G replaced by A.
Protein change: p.Glu201Lys; replaces glutamic acid 201 with lysine.
Molecular consequence: missense variant.
Genome position (GRCh38, 1-based): chr8:104,447,326, C>T on the plus strand (G>A on the coding strand, the complement: DPYS is on the minus strand). VCF-style: chr8-104447326-C-T. GRCh37 (hg19) VCF-style: chr8-105459554-C-T.
Other names: short protein forms E201K.
Identifiers: ClinVar variation 3608343 (VCV003608343.2).